The following is an entry in ClinVar:

ClinVar aggregate classification (germline): Likely benign (1 of 4 stars; one submission).

Allele frequency attached by ClinVar (database versions not stated): gnomAD exomes 0.00303; gnomAD 0.00936; 1000 Genomes Project 0.00998; 1000 Genomes Project 30x 0.01077; TOPMed 0.01108.

Submission:

CeGaT Center for Human Genetics Tuebingen
Classification: Likely benign. Last evaluated: 2022-03-01. Review status: criteria provided, single submitter. Criteria: CeGaT Center For Human Genetics Tuebingen Variant Classification Criteria Version 2. Collection method: clinical testing. Allele origin: germline. Affected: yes. Observed: 1 variant allele.
Comment: FRMD4A: BS1

NM_018027.5(FRMD4A):c.45+3177del

Gene: FRMD4A (FERM domain containing 4A; minus strand). Cytogenetic location: 10p13.
Variant type: Deletion.
Coding change: c.45+3177del on transcript NM_018027.5 (MANE Select); 3177 bases into the intron after coding-DNA position 45, one base deleted (C; older notation c.45+3177delC).
Molecular consequence: intron variant.
Genome position (GRCh38, 1-based): chr10:14,326,881, G deleted on the plus strand (C on the coding strand, the reverse complement: FRMD4A is on the minus strand). VCF-style (leftmost placement, unchanged base first): chr10-14326880-AG-A. GRCh37 (hg19) VCF-style: chr10-14368879-AG-A.
Identifiers: ClinVar variation 2640321 (VCV002640321.24), dbSNP rs112572440, ClinGen allele CA5414965.